The following is an entry in ClinVar:

NM_138694.4(PKHD1):c.507del (p.Phe169fs)

Gene: PKHD1 (PKHD1 ciliary IPT domain containing fibrocystin/polyductin; minus strand). Cytogenetic location: 6p12.2.
Variant type: Deletion.
Coding change: c.507del on transcript NM_138694.4 (MANE Select); coding-DNA position 507, one base deleted (T; older notation c.507delT).
Protein change: p.Phe169fs; shifts the reading frame from phenylalanine 169.
Molecular consequence: frameshift variant.
Genome position (GRCh38, 1-based): chr6:52,073,483, A deleted on the plus strand (T on the coding strand, the reverse complement: PKHD1 is on the minus strand); the first of 4 consecutive A bases (chr6:52,073,483-52,073,486); deleting any one gives the same sequence. VCF-style (leftmost placement, unchanged base first): chr6-52073482-CA-C. GRCh37 (hg19) VCF-style: chr6-51938280-CA-C.
Other names: c.507del, p.Phe169fs (NM_170724.3); short protein forms F169fs.
Identifiers: ClinVar variation 1451687 (VCV001451687.6), dbSNP rs2128233864, ClinGen allele CA2573140908.
Genomic context (GRCh38, chr6:52,073,482, plus strand): 5'-TGTATGTAACTAGTTAAACACAAAAACAAACACACACTTACCTATCAATGTACTCAGCAT[CA>C]AAATCAAAAGTTTCCAATCTTCCAGTGATAATCCAGCCATATACATGTATTAGTTTTCCT-3'

ClinVar aggregate classification (germline): Pathogenic (1 of 4 stars; one submission).

Conditions:
Autosomal recessive polycystic kidney disease (ARPKD). Also called: AR polycystic kidney disease. Identifiers: Orphanet 731, Orphanet 8378, MedGen C0085548, MeSH D017044, MONDO:0009889.

Submission:

Labcorp Genetics (formerly Invitae), Labcorp
Classification: Pathogenic for Autosomal recessive polycystic kidney disease. Last evaluated: 2021-11-11. Review status: criteria provided, single submitter. Criteria: Invitae Variant Classification Sherloc (09022015). Collection method: clinical testing. Allele origin: germline.
Comment: For these reasons, this variant has been classified as Pathogenic. This variant has not been reported in the literature in individuals affected with PKHD1-related conditions. This variant is not present in population databases (gnomAD no frequency). This sequence change creates a premature translational stop signal (p.Phe169Leufs*10) in the PKHD1 gene. It is expected to result in an absent or disrupted protein product. Loss-of-function variants in PKHD1 are known to be pathogenic (PMID: 19940839).

Literature cited by the submitters: PubMed 19940839.